The following is an entry in ClinVar:

NM_004304.5(ALK):c.2134G>T (p.Val712Leu)

Gene: ALK (ALK receptor tyrosine kinase; minus strand). Cytogenetic location: 2p23.2.
Variant type: single nucleotide variant.
Coding change: c.2134G>T on transcript NM_004304.5 (MANE Select); coding-DNA position 2134, G replaced by T.
Protein change: p.Val712Leu; replaces valine 712 with leucine.
Molecular consequence: missense variant.
Genome position (GRCh38, 1-based): chr2:29,251,175, C>A on the plus strand (G>T on the coding strand, the complement: ALK is on the minus strand). VCF-style: chr2-29251175-C-A. GRCh37 (hg19) VCF-style: chr2-29474041-C-A.
Other names: short protein forms V712L.
Identifiers: ClinVar variation 1375865 (VCV001375865.10), dbSNP rs78723472, ClinGen allele CA346476920.

ClinVar aggregate classification (germline): Uncertain significance. Review status: criteria provided, multiple submitters, no conflicts (2 of 4 stars). 2 submissions from 2 submitters: Uncertain significance (2). Last evaluated 2022-03-01.

Conditions:
Neuroblastoma, susceptibility to, 3. Also called: ALK-Related Neuroblastic Tumor Susceptibility. Identifiers: Orphanet 635, MedGen C2751681, MONDO:0013083, OMIM 613014.
Hereditary cancer-predisposing syndrome. Also called: Hereditary neoplastic syndrome; Hereditary Cancer Syndrome; Neoplastic Syndromes, Hereditary; Tumor predisposition. Identifiers: Orphanet 140162, MedGen C0027672, MeSH D009386, MONDO:0015356.

Submissions (2):

Ambry Genetics
Classification: Uncertain significance for Hereditary cancer-predisposing syndrome. Last evaluated: 2022-03-01. Review status: criteria provided, single submitter. Criteria: Ambry Variant Classification Scheme 2023. Collection method: clinical testing. Allele origin: germline.
Comment: The p.V712L variant (also known as c.2134G>T), located in coding exon 12 of the ALK gene, results from a G to T substitution at nucleotide position 2134. The valine at codon 712 is replaced by leucine, an amino acid with highly similar properties. This amino acid position is conserved. In addition, the in silico prediction for this alteration is inconclusive. Since supporting evidence is limited at this time, the clinical significance of this alteration remains unclear.

Labcorp Genetics (formerly Invitae), Labcorp
Classification: Uncertain significance for Neuroblastoma, susceptibility to, 3. Last evaluated: 2021-03-12. Review status: criteria provided, single submitter. Criteria: Invitae Variant Classification Sherloc (09022015). Collection method: clinical testing. Allele origin: germline.
Comment: This sequence change replaces valine with leucine at codon 712 of the ALK protein (p.Val712Leu). The valine residue is highly conserved and there is a small physicochemical difference between valine and leucine. This variant is not present in population databases (ExAC no frequency). This variant has not been reported in the literature in individuals with ALK-related conditions. Algorithms developed to predict the effect of missense changes on protein structure and function (SIFT, PolyPhen-2, Align-GVGD) all suggest that this variant is likely to be disruptive, but these predictions have not been confirmed by published functional studies and their clinical significance is uncertain. In summary, the available evidence is currently insufficient to determine the role of this variant in disease. Therefore, it has been classified as a Variant of Uncertain Significance.